The following is an entry in ClinVar:

NM_019888.3(MC3R):c.634C>T (p.Leu212Phe)

Gene: MC3R (melanocortin 3 receptor; plus strand). Cytogenetic location: 20q13.2.
Variant type: single nucleotide variant.
Coding change: c.634C>T on transcript NM_019888.3 (MANE Select); coding-DNA position 634, C replaced by T.
Protein change: p.Leu212Phe; replaces leucine 212 with phenylalanine.
Molecular consequence: missense variant.
Genome position (GRCh38, 1-based): chr20:56,249,477, C>T. VCF-style: chr20-56249477-C-T. GRCh37 (hg19) VCF-style: chr20-54824533-C-T.
Other names: short protein forms L212F.
Identifiers: ClinVar variation 4982646 (VCV004982646.1).

ClinVar aggregate classification (germline): Uncertain significance (1 of 4 stars; one submission).

Conditions:
MC3R-related disorder. Also called: MC3R-related condition.

gnomAD v4.1: 94 of 1,614,156 alleles (0.0058%); highest among the groups gnomAD compares: East Asian, 0.071%; no homozygotes.

Submission:

PreventionGenetics, part of Exact Sciences
Classification: Uncertain significance for MC3R-related condition. Last evaluated: 2025-06-11. Review status: criteria provided, single submitter. Criteria: ACMG Guidelines, 2015. Collection method: clinical testing. Allele origin: germline.
Comment: The MC3R c.634C>T variant is predicted to result in the amino acid substitution p.Leu212Phe. The c.634C>T variant, which is also known as C745T and L249F in the literature, has been reported in both lean and obese subjects (Mencarelli et al. 2011. PubMed ID: 21047972). Functional studies suggest this variant may impact MC3R expression and cAMP signaling, however findings from this study were inconclusive (Yang et al. 2015. PubMed ID: 25798062). At this time, the clinical significance of this variant is uncertain due to the absence of conclusive functional and genetic evidence.